The following is an entry in ClinVar:

NM_003052.5(SLC34A1):c.909G>C (p.Gln303His)

Gene: SLC34A1 (solute carrier family 34 member 1; plus strand). Cytogenetic location: 5q35.3.
Variant type: single nucleotide variant.
Coding change: c.909G>C on transcript NM_003052.5 (MANE Select); coding-DNA position 909, G replaced by C.
Protein change: p.Gln303His; replaces glutamine 303 with histidine.
Molecular consequence: missense variant.
Genome position (GRCh38, 1-based): chr5:177,388,345, G>C. VCF-style: chr5-177388345-G-C. GRCh37 (hg19) VCF-style: chr5-176815346-G-C.
Other names: c.909G>C, p.Gln303His (NM_001167579.2); short protein forms Q303H.
Identifiers: ClinVar variation 983516 (VCV000983516.1), dbSNP rs768061577, ClinGen allele CA362366168.

ClinVar aggregate classification (germline): Uncertain significance (1 of 4 stars; one submission).

Conditions:
Fanconi renotubular syndrome 2 (FRTS2). Identifiers: MedGen C3150652, MONDO:0013247, OMIM 613388.

Submission:

Johns Hopkins Genomics, Johns Hopkins University
Classification: Uncertain significance for Fanconi renotubular syndrome 2. Last evaluated: 2020-10-22. Review status: criteria provided, single submitter. Criteria: ACMG Guidelines, 2015. Collection method: clinical testing. Allele origin: germline.
Comment: This SLC34A1 variant is absent from a large population dataset and has not been reported in the literature, to our knowledge. This variant has been reported in ClinVar. Of three bioinformatics tools queried, two predict that the substitution would be tolerated, while one predicts that it would be damaging. The glutamine residue at this position is poorly evolutionarily conserved across the species assessed. Due to insufficient evidence, we consider the clinical significance of c.909G>C to be uncertain at this time.